The following is an entry in ClinVar:

ClinVar aggregate classification (germline): Uncertain significance (1 of 4 stars; one submission).

Submission:

GeneDx
Classification: Uncertain significance. Last evaluated: 2022-09-15. Review status: criteria provided, single submitter. Criteria: GeneDx Variant Classification Process June 2021. Collection method: clinical testing. Allele origin: germline. Affected: yes.
Comment: Not observed at significant frequency in large population cohorts (gnomAD); In silico analysis supports that this missense variant does not alter protein structure/function; Has not been previously published as pathogenic or benign to our knowledge

NM_005765.3(ATP6AP2):c.841C>T (p.Leu281Phe)

Gene: ATP6AP2 (ATPase H+ transporting accessory protein 2; plus strand). Cytogenetic location: Xp11.4.
Variant type: single nucleotide variant.
Coding change: c.841C>T on transcript NM_005765.3 (MANE Select); coding-DNA position 841, C replaced by T.
Protein change: p.Leu281Phe; replaces leucine 281 with phenylalanine.
Molecular consequence: missense variant.
Genome position (GRCh38, 1-based): chrX:40,600,864, C>T. VCF-style: chrX-40600864-C-T. GRCh37 (hg19) VCF-style: chrX-40460116-C-T.
Other names: short protein forms L281F.
Identifiers: ClinVar variation 2444741 (VCV002444741.1), dbSNP rs2518966916, ClinGen allele CA412757843.